The following is an entry in ClinVar:

NM_005121.3(MED13):c.3054T>G (p.Pro1018=)

Gene: MED13 (mediator complex subunit 13; minus strand). Cytogenetic location: 17q23.2.
Variant type: single nucleotide variant.
Coding change: c.3054T>G on transcript NM_005121.3 (MANE Select); coding-DNA position 3054, T replaced by G.
Protein change: p.Pro1018=; no amino-acid change (proline 1018 retained).
Molecular consequence: synonymous variant.
Genome position (GRCh38, 1-based): chr17:61,982,949, A>C on the plus strand (T>G on the coding strand, the complement: MED13 is on the minus strand). VCF-style: chr17-61982949-A-C. GRCh37 (hg19) VCF-style: chr17-60060310-A-C.
Identifiers: ClinVar variation 4681889 (VCV004681889.5).
Genomic context (GRCh38, chr17:61,982,949, plus strand): 5'-ATTTTCATATTTGACTGAACCTTGAGCACTAGCAGGTCCACCAGCTCCACGAGGAGTCCG[A>C]GGAGTCCTTGGAGTCCTTGGAGTTGGAAACCGAGGGGTGGATGGAGAAGGAAGAATTCCT-3'
Protein context (NP_005112.2, residues 1008-1028): RFPTPRTPRT[Pro1018=]RTPRGAGGPA

ClinVar aggregate classification (germline): Likely benign (1 of 4 stars; one submission).

gnomAD v4.1: 2 of 1,614,098 alleles (0.00012%); highest among the groups gnomAD compares: Non-Finnish European, 0.00017%; no homozygotes.

Submission:

CeGaT Center for Human Genetics Tuebingen
Classification: Likely benign. Last evaluated: 2025-12-01. Review status: criteria provided, single submitter. Criteria: CeGaT Center For Human Genetics Tuebingen Variant Classification Criteria Version 2. Collection method: clinical testing. Allele origin: germline. Affected: yes. Observed: 1 variant allele.
Comment: MED13: BP4, BP7